The following is an entry in ClinVar:

NC_000016.9:g.(?_30759745)_(30772498_?)dup

Genes: CFAP119 (cilia and flagella associated protein 119; minus strand), PHKG2 (phosphorylase kinase catalytic subunit gamma 2; plus strand). Cytogenetic location: 16p11.2.
Variant type: Duplication.
Identifiers: ClinVar variation 3063681 (VCV003063681.1).

ClinVar aggregate classification (germline): Uncertain significance (1 of 4 stars; one submission).

Submission:

Women's Health and Genetics/Laboratory Corporation of America, LabCorp
Classification: Uncertain significance. Last evaluated: 2024-01-26. Review status: criteria provided, single submitter. Criteria: LabCorp Variant Classification Summary - May 2015. Collection method: clinical testing. Allele origin: germline.
Comment: Variant summary: The variant involves the duplication of exons 1-10 in the PHKG2 gene. This duplication includes the entire coding sequence of the gene. As exact breakpoints are unknown, it may extend beyond the annotated region of the gene, to include other flanking genes. A presumed nomenclature of c.(?_-85)_(*4080_?)dup has been designated for the purposes of this classification. The variant was absent in 21692 control chromosomes (gnomAD, Structural variants dataset). The available data on variant occurrences in the general population are insufficient to allow any conclusion about variant significance. To our knowledge, no occurrence of c.(?_-85)_(*4080_?)dup in individuals affected with Glycogen Phosphorylase Kinase Deficiency and no experimental evidence demonstrating its impact on protein function have been reported. No submitters have cited clinical-significance assessments for this variant to ClinVar. Based on the evidence outlined above, the variant was classified as uncertain significance.